The following is an entry in ClinVar:

ClinVar aggregate classification (germline): Conflicting classifications of pathogenicity. Review status: criteria provided, conflicting classifications (1 of 4 stars). 9 submissions from 7 submitters: Uncertain significance (7); Likely benign (2). Last evaluated 2024-07-05.

Conditions:
Inborn genetic diseases. Identifiers: MedGen C0950123, MeSH D030342.
Dystonia 27 (DYT27). Identifiers: Orphanet 464440, MedGen C4225336, MONDO:0014627, OMIM 616411.
Bethlem myopathy 1A. Also called: MYOPATHY, BENIGN CONGENITAL, WITH CONTRACTURES; Bethlem myopathy 1; Bethlem Muscular Dystrophy. Identifiers: Orphanet 610, MedGen CN029274, MONDO:0024530, OMIM 158810.
Ullrich congenital muscular dystrophy 1A. Also called: Ullrich congenital muscular dystrophy 1; Intermediate COL6-RD. Identifiers: Orphanet 75840, MedGen C0410179, MONDO:0009681, OMIM 254090.

Allele frequency attached by ClinVar (database versions not stated): gnomAD exomes below 0.00001; ExAC 0.00001; gnomAD 0.00001; TOPMed 0.00001.
gnomAD v4.1: 7 of 1,613,870 alleles (0.00043%); highest among the groups gnomAD compares: Middle Eastern, 0.033%; no homozygotes.

Submissions (9):

Women's Health and Genetics/Laboratory Corporation of America, LabCorp
Classification: Uncertain significance. Last evaluated: 2024-07-05. Review status: criteria provided, single submitter. Criteria: LabCorp Variant Classification Summary - May 2015. Collection method: clinical testing. Allele origin: germline.
Comment: Variant summary: COL6A3 c.3220G>A (p.Asp1074Asn) results in a conservative amino acid change located in the von Willebrand factor, type A (IPR002035) of the encoded protein sequence. Four of five in-silico tools predict a benign effect of the variant on protein function. The variant allele was found at a frequency of 4e-06 in 250242 control chromosomes. The available data on variant occurrences in the general population are insufficient to allow any conclusion about variant significance. To our knowledge, no occurrence of c.3220G>A in individuals affected with Ullrich Congenital Muscular Dystrophy 1C/Dystonia 27/Bethlem myopathy 1C, and no experimental evidence demonstrating its impact on protein function have been reported. ClinVar contains an entry for this variant (Variation ID: 449785). Based on the evidence outlined above, the variant was classified as uncertain significance.

Labcorp Genetics (formerly Invitae), Labcorp
Classification: Likely benign for Bethlem myopathy 1A. Last evaluated: 2023-08-29. Review status: criteria provided, single submitter. Criteria: Invitae Variant Classification Sherloc (09022015). Collection method: clinical testing. Allele origin: germline.

Ambry Genetics
Classification: Uncertain significance for Inborn genetic diseases. Last evaluated: 2023-05-23. Review status: criteria provided, single submitter. Criteria: Ambry Variant Classification Scheme 2023. Collection method: clinical testing. Allele origin: germline.

CeGaT Center for Human Genetics Tuebingen
Classification: Likely benign. Last evaluated: 2022-06-01. Review status: criteria provided, single submitter. Criteria: CeGaT Center For Human Genetics Tuebingen Variant Classification Criteria Version 2. Collection method: clinical testing. Allele origin: germline. Affected: yes. Observed: 1 variant allele.
Comment: COL6A3: BP4

GeneDx
Classification: Uncertain significance. Last evaluated: 2020-06-04. Review status: criteria provided, single submitter. Criteria: GeneDx Variant Classification Process June 2021. Collection method: clinical testing. Allele origin: germline. Affected: yes.
Comment: Not observed at a significant frequency in large population cohorts (Lek et al., 2016); In silico analysis, which includes protein predictors and evolutionary conservation, supports that this variant does not alter protein structure/function; Has not been previously published as pathogenic or benign to our knowledge; This variant is associated with the following publications: (PMID: 30564623)

Genomic Research Center, Shahid Beheshti University of Medical Sciences
Classification: Uncertain significance for Ullrich congenital muscular dystrophy 1A. Last evaluated: 2018-03-05. Review status: criteria provided, single submitter. Criteria: ACMG Guidelines, 2015. Collection method: clinical testing. Allele origin: inherited. Affected: yes. Observed: 1 variant allele.

Genomic Research Center, Shahid Beheshti University of Medical Sciences
Classification: Uncertain significance for Bethlem myopathy 1A. Last evaluated: 2018-03-05. Review status: criteria provided, single submitter. Criteria: ACMG Guidelines, 2015. Collection method: clinical testing. Allele origin: inherited. Affected: yes. Observed: 1 variant allele.

Genomic Research Center, Shahid Beheshti University of Medical Sciences
Classification: Uncertain significance for Dystonia 27. Last evaluated: 2018-03-05. Review status: criteria provided, single submitter. Criteria: ACMG Guidelines, 2015. Collection method: clinical testing. Allele origin: inherited. Affected: yes. Observed: 1 variant allele.

Eurofins Ntd Llc (ga)
Classification: Uncertain significance. Last evaluated: 2017-05-03. Review status: criteria provided, single submitter. Criteria: EGL Classification Definitions 2015. Collection method: clinical testing. Allele origin: germline. Observed: 1 variant allele, 1 heterozygote.

NM_004369.4(COL6A3):c.3220G>A (p.Asp1074Asn)

Gene: COL6A3 (collagen type VI alpha 3 chain; minus strand). Cytogenetic location: 2q37.3.
Variant type: single nucleotide variant.
Coding change: c.3220G>A on transcript NM_004369.4 (MANE Select); coding-DNA position 3220, G replaced by A.
Protein change: p.Asp1074Asn; replaces aspartic acid 1074 with asparagine.
Molecular consequence: missense variant.
Genome position (GRCh38, 1-based): chr2:237,374,871, C>T on the plus strand (G>A on the coding strand, the complement: COL6A3 is on the minus strand). VCF-style: chr2-237374871-C-T. GRCh37 (hg19) VCF-style: chr2-238283514-C-T.
Other names: c.1999G>A, p.Asp667Asn (NM_057164.5); c.2602G>A, p.Asp868Asn (NM_057165.5, NM_057167.4); c.1399G>A, p.Asp467Asn (NM_057166.5); short protein forms D1074N, D467N, D667N, D868N.
Identifiers: ClinVar variation 449785 (VCV000449785.46), dbSNP rs778403814, ClinGen allele CA2189212.